The following is an entry in ClinVar:

ClinVar aggregate classification (germline): Conflicting classifications of pathogenicity. Review status: criteria provided, conflicting classifications (1 of 4 stars). 8 submissions from 4 submitters: Uncertain significance (5); Likely benign (2). 1 of the submissions does not count toward it. Last evaluated 2024-11-11.

Conditions:
FGFR2-related craniosynostosis. Identifiers: MedGen CN231480.
Beare-Stevenson cutis gyrata syndrome (BSTVS). Identifiers: Orphanet 1555, MedGen C1852406, MONDO:0007412, OMIM 123790.
Saethre-Chotzen syndrome (SCS). Also called: CHOTZEN SYNDROME; ACROCEPHALY, SKULL ASYMMETRY, AND MILD SYNDACTYLY; ACS III. Identifiers: Orphanet 794, MedGen C0175699, MONDO:0007042, OMIM 101400.
Isolated Coronal Synostosis. Identifiers: MedGen CN043619.
Crouzon syndrome. Also called: Craniofacial dysostosis; CRANIOFACIAL DYSOSTOSIS, TYPE I; Craniofacial dysostosis type 1; Crouzon craniofacial dysostosis; Crouzon disease. Identifiers: Orphanet 207, MedGen C0010273, MeSH D003394, MONDO:0007405, OMIM 123500, HP:0004439.
FGFR2-related disorder. Identifiers: MedGen CN380096.
Craniosynostosis syndrome. Also called: Craniosynostosis. Identifiers: Orphanet 1531, MedGen C0010278, MeSH D003398, MONDO:0015469, HP:0001363.

Allele frequency attached by ClinVar (database versions not stated): gnomAD exomes 0.00001; ExAC 0.00002; gnomAD 0.00005; TOPMed 0.00013.
gnomAD v4.1: 27 of 1,613,828 alleles (0.0017%); highest among the groups gnomAD compares: Admixed American, 0.018%; no homozygotes.

Submissions (8):

Labcorp Genetics (formerly Invitae), Labcorp
Classification: Likely benign for FGFR2-related craniosynostosis. Last evaluated: 2024-11-11. Review status: criteria provided, single submitter. Criteria: Invitae Variant Classification Sherloc (09022015). Collection method: clinical testing. Allele origin: germline.

Blueprint Genetics
Classification: Likely benign. Last evaluated: 2024-08-02. Review status: criteria provided, single submitter. Criteria: ACMG Guidelines, 2015. Collection method: clinical testing. Allele origin: germline.

Illumina Laboratory Services, Illumina
Classification: Uncertain significance for Isolated coronal synostosis. Last evaluated: 2017-04-27. Review status: criteria provided, single submitter. Criteria: ICSL Variant Classification Criteria 13 December 2019. Collection method: clinical testing. Allele origin: germline.

Illumina Laboratory Services, Illumina
Classification: Uncertain significance for Saethre-Chotzen syndrome. Last evaluated: 2017-04-27. Review status: criteria provided, single submitter. Criteria: ICSL Variant Classification Criteria 13 December 2019. Collection method: clinical testing. Allele origin: germline.

Illumina Laboratory Services, Illumina
Classification: Uncertain significance for Craniosynostosis. Last evaluated: 2017-04-27. Review status: criteria provided, single submitter. Criteria: ICSL Variant Classification Criteria 13 December 2019. Collection method: clinical testing. Allele origin: germline.

Illumina Laboratory Services, Illumina
Classification: Uncertain significance for Beare-Stevenson cutis gyrata syndrome. Last evaluated: 2017-04-27. Review status: criteria provided, single submitter. Criteria: ICSL Variant Classification Criteria 13 December 2019. Collection method: clinical testing. Allele origin: germline.

Illumina Laboratory Services, Illumina
Classification: Uncertain significance for Crouzon syndrome. Last evaluated: 2017-04-27. Review status: criteria provided, single submitter. Criteria: ICSL Variant Classification Criteria 13 December 2019. Collection method: clinical testing. Allele origin: germline.

PreventionGenetics, part of Exact Sciences
Classification: Likely benign for FGFR2-related condition. Last evaluated: 2019-10-28. Review status: no assertion criteria provided. Collection method: clinical testing. Allele origin: germline. Not counted in ClinVar's aggregate classification.
Comment: This variant is classified as likely benign based on ACMG/AMP sequence variant interpretation guidelines (Richards et al. 2015 PMID: 25741868, with internal and published modifications).

NM_000141.5(FGFR2):c.780C>T (p.Ala260=)

Gene: FGFR2 (fibroblast growth factor receptor 2; minus strand). Cytogenetic location: 10q26.13.
Variant type: single nucleotide variant.
Coding change: c.780C>T on transcript NM_000141.5 (MANE Select); coding-DNA position 780, C replaced by T.
Protein change: p.Ala260=; no amino-acid change (alanine 260 retained).
Molecular consequence: synonymous variant. On other transcripts: non-coding transcript variant (1), intron variant (1).
Genome position (GRCh38, 1-based): chr10:121,520,138, G>A on the plus strand (C>T on the coding strand, the complement: FGFR2 is on the minus strand). VCF-style: chr10-121520138-G-A. GRCh37 (hg19) VCF-style: chr10-123279652-G-A.
Other names: c.780C>T, p.Ala260= (NM_001144913.1, NM_001144917.2, NM_001320658.2 and 1 more transcripts); c.513C>T, p.Ala171= (NM_001144915.2, NM_001144919.2, NM_023029.3); c.435C>T, p.Ala145= (NM_001144916.2, NM_001144918.2); c.96C>T, p.Ala32= (NM_001320654.2); c.749-4819C>T (NM_001144914.1).
Identifiers: ClinVar variation 772255 (VCV000772255.15), dbSNP rs778288494, ClinGen allele CA5721001.